The following is an entry in ClinVar:

ClinVar aggregate classification (germline): Benign/Likely benign. Review status: criteria provided, multiple submitters, no conflicts (2 of 4 stars). 9 submissions from 9 submitters: Benign (4); Likely benign (3). 2 of the submissions do not count toward it. Last evaluated 2026-01-26.

Conditions:
Dilated cardiomyopathy 1KK (CMD1KK). Identifiers: Orphanet 154, Orphanet 75249, MedGen C3714995, MONDO:0014100, OMIM 615248.
Cardiovascular phenotype. Identifiers: MedGen CN230736.

Allele frequency attached by ClinVar (database versions not stated): gnomAD exomes 0.00007 and 0.00021; ExAC 0.00031; gnomAD 0.00096 and 0.00101; ESP Exome Variant Server 0.00100; TOPMed 0.00111; 1000 Genomes Project 0.00120; 1000 Genomes Project 30x 0.00125.

Submissions (9):

Labcorp Genetics (formerly Invitae), Labcorp
Classification: Benign for Dilated cardiomyopathy 1KK. Last evaluated: 2026-01-26. Review status: criteria provided, single submitter. Criteria: Invitae Variant Classification Sherloc (09022015). Collection method: clinical testing. Allele origin: germline.

Mayo Clinic Laboratories, Mayo Clinic
Classification: Likely benign. Last evaluated: 2025-10-02. Review status: criteria provided, single submitter. Criteria: ACMG Guidelines, 2015. Collection method: clinical testing. Allele origin: germline. Observed: 3 variant alleles.
Comment: BS1, BP4, BP7

Women's Health and Genetics/Laboratory Corporation of America, LabCorp
Classification: Benign. Last evaluated: 2024-11-15. Review status: criteria provided, single submitter. Criteria: LabCorp Variant Classification Summary - May 2015. Collection method: clinical testing. Allele origin: germline.

Blueprint Genetics
Classification: Likely benign. Last evaluated: 2024-02-19. Review status: criteria provided, single submitter. Criteria: ACMG Guidelines, 2015. Collection method: clinical testing. Allele origin: germline.

GeneDx
Classification: Benign. Last evaluated: 2017-05-01. Review status: criteria provided, single submitter. Criteria: GeneDx Variant Classification (06012015). Collection method: clinical testing. Allele origin: germline. Affected: yes.
Comment: This variant is considered likely benign or benign based on one or more of the following criteria: it is a conservative change, it occurs at a poorly conserved position in the protein, it is predicted to be benign by multiple in silico algorithms, and/or has population frequency not consistent with disease.

Ambry Genetics
Classification: Likely benign for Cardiovascular phenotype. Last evaluated: 2015-07-01. Review status: criteria provided, single submitter. Criteria: Ambry Variant Classification Scheme 2023. Collection method: clinical testing. Allele origin: germline.

Laboratory for Molecular Medicine, Mass General Brigham Personalized Medicine
Classification: Benign. Last evaluated: 2015-04-13. Review status: criteria provided, single submitter. Criteria: LMM Criteria. Collection method: clinical testing. Allele origin: germline. Observed: 1 variant allele.
Comment: p.Glu374Glu in exon 5 of MYPN: This variant is not expected to have clinical sig nificance because it does not alter an amino acid residue, is not located within the splice consensus sequence, and has been identified in 0.3% (35/10374) of Af rican chromosomes by the Exome Aggregation Consortium (ExAC; dbSNP rs145103325).

Clinical Genetics DNA and cytogenetics Diagnostics Lab, Erasmus MC, Erasmus Medical Center
Classification: Likely benign. Review status: no assertion criteria provided. Collection method: clinical testing. Allele origin: germline. Affected: yes. Study: VKGL Data-share Consensus. Not counted in ClinVar's aggregate classification.

Clinical Genetics, Academic Medical Center
Classification: Benign. Review status: no assertion criteria provided. Collection method: clinical testing. Allele origin: germline. Affected: yes. Study: VKGL Data-share Consensus. Not counted in ClinVar's aggregate classification.

NM_032578.4(MYPN):c.1122G>A (p.Glu374=)

Gene: MYPN (myopalladin; plus strand). Cytogenetic location: 10q21.3.
Variant type: single nucleotide variant.
Coding change: c.1122G>A on transcript NM_032578.4 (MANE Select); coding-DNA position 1122, G replaced by A.
Protein change: p.Glu374=; no amino-acid change (glutamic acid 374 retained).
Molecular consequence: synonymous variant. On other transcripts: non-coding transcript variant (2).
Genome position (GRCh38, 1-based): chr10:68,145,518, G>A. VCF-style: chr10-68145518-G-A. GRCh37 (hg19) VCF-style: chr10-69905275-G-A.
Other names: p.Glu374=; c.1122G>A, p.Glu374= (NM_001256267.2); c.240G>A, p.Glu80= (NM_001256268.2).
Identifiers: ClinVar variation 226840 (VCV000226840.26), dbSNP rs145103325, ClinGen allele CA5522438.